The following is an entry in ClinVar:

NM_144997.7(FLCN):c.252del (p.Cys85fs)

Gene: FLCN (folliculin; minus strand). Cytogenetic location: 17p11.2.
Variant type: Deletion.
Coding change: c.252del on transcript NM_144997.7 (MANE Select); coding-DNA position 252, one base deleted (C; older notation c.252delC).
Protein change: p.Cys85fs; shifts the reading frame from cysteine 85.
Molecular consequence: frameshift variant.
Genome position (GRCh38, 1-based): chr17:17,226,320, G deleted on the plus strand (C on the coding strand, the reverse complement: FLCN is on the minus strand). VCF-style (leftmost placement, unchanged base first): chr17-17226319-AG-A. GRCh37 (hg19) VCF-style: chr17-17129633-AG-A.
Other names: c.252del (NM_144997.5); c.252del, p.Cys85fs (NM_001353229.2, NM_001353230.2, NM_001353231.2 and 1 more transcripts); c.252delC, p.Cys85Alafs (NM_144997.5); short protein forms C85fs.
Identifiers: ClinVar variation 2137935 (VCV002137935.6), dbSNP rs2544284444, ClinGen allele CA2580092667.

ClinVar aggregate classification (germline): Pathogenic. Review status: criteria provided, multiple submitters, no conflicts (2 of 4 stars). 3 submissions from 3 submitters: Pathogenic (3). Last evaluated 2025-03-04.

Conditions:
Birt-Hogg-Dube syndrome. Also called: Birt Hogg Dubé syndrome. Identifiers: Orphanet 122, MedGen C0346010, MONDO:0800444.
Hereditary cancer-predisposing syndrome. Also called: Tumor predisposition; Hereditary Cancer Syndrome; Hereditary neoplastic syndrome; Neoplastic Syndromes, Hereditary. Identifiers: Orphanet 140162, MedGen C0027672, MeSH D009386, MONDO:0015356.

Submissions (3):

Ambry Genetics
Classification: Pathogenic for Hereditary cancer-predisposing syndrome. Last evaluated: 2025-03-04. Review status: criteria provided, single submitter. Criteria: Ambry Variant Classification Scheme 2023. Collection method: clinical testing. Allele origin: germline.
Comment: The c.252delC pathogenic mutation, located in coding exon 2 of the FLCN gene, results from a deletion of one nucleotide at nucleotide position 252, causing a translational frameshift with a predicted alternate stop codon (p.C85Afs*45). This variant was reported in individual(s) with features consistent with Birt-Hogg-Dube syndrome (Schmidt LS et al. Am J Hum Genet, 2005 Jun;76:1023-33; Sattler EC et al. Br J Dermatol, 2018 Feb;178:e132-e133). Note, this variant is also referred to as c.707delC in the literature. This variant is considered to be rare based on population cohorts in the Genome Aggregation Database (gnomAD). In addition to the clinical data presented in the literature, this alteration is expected to result in loss of function by premature protein truncation or nonsense-mediated mRNA decay. As such, this alteration is interpreted as a disease-causing mutation.

GeneDx
Classification: Pathogenic. Last evaluated: 2022-12-12. Review status: criteria provided, single submitter. Criteria: GeneDx Variant Classification Process June 2021. Collection method: clinical testing. Allele origin: germline. Affected: yes.
Comment: Frameshift variant predicted to result in protein truncation or nonsense mediated decay in a gene for which loss of function is a known mechanism of disease; Not observed at significant frequency in large population cohorts (gnomAD); Also known as c.707delC; This variant is associated with the following publications: (PMID: 15852235)

Labcorp Genetics (formerly Invitae), Labcorp
Classification: Pathogenic for Birt-Hogg-Dube syndrome. Last evaluated: 2022-09-13. Review status: criteria provided, single submitter. Criteria: Invitae Variant Classification Sherloc (09022015). Collection method: clinical testing. Allele origin: germline.
Comment: This sequence change creates a premature translational stop signal (p.Cys85Alafs*45) in the FLCN gene. It is expected to result in an absent or disrupted protein product. Loss-of-function variants in FLCN are known to be pathogenic (PMID: 15852235). This variant is not present in population databases (gnomAD no frequency). This premature translational stop signal has been observed in individual(s) with Birt-Hogg-Dubé syndrome (PMID: 15852235). This variant is also known as c.707delC. For these reasons, this variant has been classified as Pathogenic.

Literature cited by the submitters: PubMed 15852235 (cited by Ambry Genetics and Labcorp Genetics (formerly Invitae), Labcorp); PubMed 28869776 (cited by Ambry Genetics).